The following is an entry in ClinVar:

NM_203447.4(DOCK8):c.2778+125C>G

Gene: DOCK8 (dedicator of cytokinesis 8; plus strand). Cytogenetic location: 9p24.3.
Variant type: single nucleotide variant.
Coding change: c.2778+125C>G on transcript NM_203447.4 (MANE Select); 125 bases into the intron after coding-DNA position 2778, C replaced by G.
Molecular consequence: intron variant.
Genome position (GRCh38, 1-based): chr9:382,810, C>G. VCF-style: chr9-382810-C-G. GRCh37 (hg19) VCF-style: chr9-382810-C-G.
Other names: c.2574+125C>G (NM_001193536.2, NM_001190458.2).
Identifiers: ClinVar variation 1183002 (VCV001183002.5), dbSNP rs3739598, ClinGen allele CA13041936.
Genomic context (GRCh38, chr9:382,810, plus strand): 5'-GAAGTAACACAGAAGCAACCACTACTGCTGCCCACCATGCTGGTCGGATGCTTTAATGCT[C>G]AGCTTTGGAGTGATTAACGTTCTTTAGAACAGATTAAGACCATTCTGACAGATGCAGCAG-3'

ClinVar aggregate classification (germline): Benign. Review status: criteria provided, multiple submitters, no conflicts (2 of 4 stars). 3 submissions from 3 submitters: Benign (3). Last evaluated 2023-11-12.

Allele frequency attached by ClinVar (database versions not stated): 1000 Genomes Project 30x 0.18707; 1000 Genomes Project 0.18970; TOPMed 0.20244; gnomAD 0.20533 and 0.21045.
gnomAD v4.1: 344,082 of 1,272,522 alleles (27%); highest among the groups gnomAD compares: South Asian, 36%; 50,557 homozygotes.

Submissions (3):

Unidad de Genómica Garrahan, Hospital de Pediatría Garrahan
Classification: Benign. Last evaluated: 2023-11-12. Review status: criteria provided, single submitter. Criteria: ACMG Guidelines, 2015. Collection method: clinical testing. Allele origin: germline. Affected: no. Observed: 33 variant alleles.
Comment: This variant is classified as Benign based on local population frequency. This variant was detected in 34% of patients studied by a panel of primary immunodeficiencies. Number of patients: 33. Only high quality variants are reported.

GeneDx
Classification: Benign. Last evaluated: 2018-06-26. Review status: criteria provided, single submitter. Criteria: GeneDx Variant Classification Process June 2021. Collection method: clinical testing. Allele origin: germline. Affected: yes.

Breakthrough Genomics
Classification: Benign. Review status: criteria provided, single submitter. Criteria: ACMG Guidelines, 2015. Collection method: not provided. Allele origin: germline. Inheritance: Autosomal recessive inheritance. Affected: yes.